The following is an entry in ClinVar:

ClinVar aggregate classification (germline): Uncertain significance (1 of 4 stars; one submission).

Conditions:
Spinocerebellar ataxia type 42. Identifiers: Orphanet 458803, MedGen C4225205, MONDO:0014776, OMIM 616795.

Allele frequency attached by ClinVar (database versions not stated): gnomAD exomes 0.00001 and 0.00002; TOPMed 0.00001.
gnomAD v4.1: 11 of 1,613,596 alleles (0.00068%); highest among the groups gnomAD compares: East Asian, 0.018%; no homozygotes.

Submission:

Baylor Genetics
Classification: Uncertain significance for Spinocerebellar ataxia type 42. Last evaluated: 2020-05-01. Review status: criteria provided, single submitter. Criteria: ACMG Guidelines, 2015. Collection method: clinical testing. Allele origin: unknown. Affected: yes.
Comment: This variant was determined to be of uncertain significance according to ACMG Guidelines, 2015 [PMID:25741868].

NM_018896.5(CACNA1G):c.4028G>A (p.Arg1343Gln)

Gene: CACNA1G (calcium voltage-gated channel subunit alpha1 G; plus strand). Cytogenetic location: 17q21.33.
Variant type: single nucleotide variant.
Coding change: c.4028G>A on transcript NM_018896.5 (MANE Select); coding-DNA position 4028, G replaced by A.
Protein change: p.Arg1343Gln; replaces arginine 1343 with glutamine.
Molecular consequence: missense variant. On other transcripts: non-coding transcript variant (5).
Genome position (GRCh38, 1-based): chr17:50,603,058, G>A. VCF-style: chr17-50603058-G-A. GRCh37 (hg19) VCF-style: chr17-48680419-G-A.
Other names: c.4028G>A, p.Arg1343Gln (NM_001256324.2, NM_001256325.2, NM_001256326.2 and 16 more transcripts); c.3959G>A, p.Arg1320Gln (NM_001256332.2, NM_198376.3, NM_198379.3 and 5 more transcripts); short protein forms R1343Q, R1320Q.
Identifiers: ClinVar variation 1030678 (VCV001030678.1), dbSNP rs1295882768, ClinGen allele CA400255697.
Genomic context (GRCh38, chr17:50,603,058, plus strand): 5'-GTGGCGGTGGTCCCCAGGTGGTGGCACTGGGCTGGTGCTTCGGGGAGCAGGCGTACCTGC[G>A]GAGCAGTTGGAACGTGCTGGACGGGCTGTTGGTGCTCATCTCCGTCATCGACATTCTGGT-3'
Protein context (NP_061496.2, residues 1333-1353): GWCFGEQAYL[Arg1343Gln]SSWNVLDGLL